The following is an entry in ClinVar:

NM_033453.4(ITPA):c.466C>T (p.Gln156Ter)

Gene: ITPA (inosine triphosphatase; plus strand). Cytogenetic location: 20p13.
Variant type: single nucleotide variant.
Coding change: c.466C>T on transcript NM_033453.4 (MANE Select); coding-DNA position 466, C replaced by T.
Protein change: p.Gln156Ter; replaces glutamine 156 with a stop codon.
Molecular consequence: nonsense. On other transcripts: synonymous variant (5), non-coding transcript variant (2), intron variant (1).
Genome position (GRCh38, 1-based): chr20:3,221,895, C>T. VCF-style: chr20-3221895-C-T. GRCh37 (hg19) VCF-style: chr20-3202541-C-T.
Other names: c.343C>T, p.Gln115Ter (NM_001267623.2); c.129C>T, p.Phe43= (NM_001324236.2, NM_001324237.2, NM_001324238.2 and 1 more transcripts); c.513C>T, p.Phe171= (NM_001424408.1); c.592C>T, p.Gln198Ter (NM_001424409.1); c.415C>T, p.Gln139Ter (NM_181493.4); c.411+3263C>T (NM_001324240.2); c.466C>T (NM_033453.3); short protein forms Q115*, Q139*, Q156*, Q198*.
Identifiers: ClinVar variation 4853972 (VCV004853972.2).

ClinVar aggregate classification (germline): Pathogenic/Likely pathogenic. Review status: criteria provided, multiple submitters, no conflicts (2 of 4 stars). 2 submissions from 2 submitters: Pathogenic (1); Likely pathogenic (1). Last evaluated 2026-08-19.

Conditions:
Inosine triphosphatase deficiency. Also called: INOSINE TRIPHOSPHATE PYROPHOSPHOHYDROLASE DEFICIENCY. Identifiers: MedGen C0342800, MONDO:0013461, OMIM 613850.
Developmental and epileptic encephalopathy, 35 (DEE35). Also called: Epileptic encephalopathy, early infantile, 35. Identifiers: Orphanet 457375, MedGen C4225256, MONDO:0014719, OMIM 616647.

Submissions (2):

Molecular Genetics Laboratory, CHU Lille
Classification: Pathogenic for Inosine triphosphatase deficiency. Last evaluated: 2026-08-19. Review status: criteria provided, single submitter. Criteria: ACMG Guidelines, 2015. Collection method: clinical testing. Allele origin: germline. Affected: yes.
Comment: This variant is classified as pathogenic according to the recommendation of ACMG/AMP guideline.

3billion
Classification: Likely pathogenic for Developmental and epileptic encephalopathy, 35. Last evaluated: 2025-12-01. Review status: criteria provided, single submitter. Criteria: ACMG Guidelines, 2015. Collection method: clinical testing. Allele origin: germline. Affected: yes.
Comment: The variant is not observed in the gnomAD v4.1.0 dataset. Predicted Consequence/Location: Stop-gained (nonsense): predicted to result in a loss or disruption of normal protein function through protein truncation. The predicted truncated protein may be shortened by more than 10%. Therefore, this variant is classified as Likely pathogenic according to the recommendation of ACMG/AMP guideline.